The following is an entry in ClinVar:

ClinVar aggregate classification (germline): Uncertain significance (1 of 4 stars; one submission).

Conditions:
Hereditary cancer-predisposing syndrome. Also called: Neoplastic Syndromes, Hereditary; Tumor predisposition; Hereditary Cancer Syndrome; Hereditary neoplastic syndrome. Identifiers: Orphanet 140162, MedGen C0027672, MeSH D009386, MONDO:0015356.

Submission:

Ambry Genetics
Classification: Uncertain significance for Hereditary cancer-predisposing syndrome. Last evaluated: 2022-05-04. Review status: criteria provided, single submitter. Criteria: Ambry Variant Classification Scheme 2023. Collection method: clinical testing. Allele origin: germline.
Comment: The p.L2278M variant (also known as c.6832C>A), located in coding exon 49 of the POLE gene, results from a C to A substitution at nucleotide position 6832. The leucine at codon 2278 is replaced by methionine, an amino acid with highly similar properties. This amino acid position is conserved. In addition, this alteration is predicted to be tolerated by in silico analysis. Since supporting evidence is limited at this time, the clinical significance of this alteration remains unclear.

NM_006231.4(POLE):c.6832C>A (p.Leu2278Met)

Gene: POLE (DNA polymerase epsilon, catalytic subunit; minus strand). Cytogenetic location: 12q24.33.
Variant type: single nucleotide variant.
Coding change: c.6832C>A on transcript NM_006231.4 (MANE Select); coding-DNA position 6832, C replaced by A.
Protein change: p.Leu2278Met; replaces leucine 2278 with methionine.
Molecular consequence: missense variant.
Genome position (GRCh38, 1-based): chr12:132,624,726, G>T on the plus strand (C>A on the coding strand, the complement: POLE is on the minus strand). VCF-style: chr12-132624726-G-T. GRCh37 (hg19) VCF-style: chr12-133201312-G-T.
Other names: short protein forms L2278M.
Identifiers: ClinVar variation 1755695 (VCV001755695.2), dbSNP rs766461862, ClinGen allele CA387365634.
Genomic context (GRCh38, chr12:132,624,726, plus strand): 5'-GGACGCAGAGGCACCCGGGGCCCGGGGCTGGCTAATGGCCCAGCTGTGGGTTCTTCTGCA[G>T]CAGCCACTCCAGGGTCTCCAGGAGGTACGACATGCCGTAGTGCTGGGCAATGTTCCGGAA-3'
Protein context (NP_006222.2, residues 2268-2286): SYLLETLEWL[Leu2278Met]QKNPQLGH